The following is an entry in ClinVar:

NM_003482.4(KMT2D):c.7028C>A (p.Pro2343Gln)

Gene: KMT2D (lysine methyltransferase 2D; minus strand). Cytogenetic location: 12q13.12.
Variant type: single nucleotide variant.
Coding change: c.7028C>A on transcript NM_003482.4 (MANE Select); coding-DNA position 7028, C replaced by A.
Protein change: p.Pro2343Gln; replaces proline 2343 with glutamine.
Molecular consequence: missense variant.
Genome position (GRCh38, 1-based): chr12:49,040,742, G>T on the plus strand (C>A on the coding strand, the complement: KMT2D is on the minus strand). VCF-style: chr12-49040742-G-T. GRCh37 (hg19) VCF-style: chr12-49434525-G-T.
Other names: short protein forms P2343Q.
Identifiers: ClinVar variation 2161802 (VCV002161802.8), dbSNP rs764884530, ClinGen allele CA236648403.

ClinVar aggregate classification (germline): Conflicting classifications of pathogenicity. Review status: criteria provided, conflicting classifications (1 of 4 stars). 3 submissions from 3 submitters: Uncertain significance (2); Benign (1). Last evaluated 2025-03-14.

Conditions:
KMT2D-related disorder. Also called: KMT2D-Related Disorders.
Kabuki syndrome. Also called: NIIKAWA-KUROKI SYNDROME; Kabuki make-up syndrome. Identifiers: Orphanet 2322, MedGen C0796004, MONDO:0016512.

gnomAD v4.1: 3 of 1,613,362 alleles (0.00019%); highest among the groups gnomAD compares: African/African-American, 0.004%; no homozygotes.

Submissions (3):

PreventionGenetics, part of Exact Sciences
Classification: Uncertain significance for KMT2D-related condition. Last evaluated: 2025-03-14. Review status: criteria provided, single submitter. Criteria: ACMG Guidelines, 2015. Collection method: clinical testing. Allele origin: germline.
Comment: The KMT2D c.7028C>A variant is predicted to result in the amino acid substitution p.Pro2343Gln. To our knowledge, this variant has not been reported in the literature. This variant is reported in 0.012% of alleles in individuals of African descent in gnomAD. At this time, the clinical significance of this variant is uncertain due to the absence of conclusive functional and genetic evidence.

Labcorp Genetics (formerly Invitae), Labcorp
Classification: Benign for Kabuki syndrome. Last evaluated: 2024-12-16. Review status: criteria provided, single submitter. Criteria: Invitae Variant Classification Sherloc (09022015). Collection method: clinical testing. Allele origin: germline.

Revvity Omics, Revvity
Classification: Uncertain significance. Last evaluated: 2024-11-19. Review status: criteria provided, single submitter. Criteria: ACMG Guidelines, 2015. Collection method: clinical testing. Allele origin: germline.